The following is an entry in ClinVar:

NM_014159.7(SETD2):c.3251G>A (p.Ser1084Asn)

Gene: SETD2 (SET domain containing 2, histone lysine methyltransferase; minus strand). Cytogenetic location: 3p21.31.
Variant type: single nucleotide variant.
Coding change: c.3251G>A on transcript NM_014159.7 (MANE Select); coding-DNA position 3251, G replaced by A.
Protein change: p.Ser1084Asn; replaces serine 1084 with asparagine.
Molecular consequence: missense variant. On other transcripts: non-coding transcript variant (1).
Genome position (GRCh38, 1-based): chr3:47,121,385, C>T on the plus strand (G>A on the coding strand, the complement: SETD2 is on the minus strand). VCF-style: chr3-47121385-C-T. GRCh37 (hg19) VCF-style: chr3-47162875-C-T.
Other names: c.3119G>A, p.Ser1040Asn (NM_001349370.3); short protein forms S1084N, S1040N.
Identifiers: ClinVar variation 648508 (VCV000648508.28), dbSNP rs753435281, ClinGen allele CA2363414.

ClinVar aggregate classification (germline): Uncertain significance. Review status: criteria provided, multiple submitters, no conflicts (2 of 4 stars). 3 submissions from 3 submitters: Uncertain significance (3). Last evaluated 2024-01-01.

Conditions:
Luscan-Lumish syndrome. Identifiers: Orphanet 597738, MedGen C4085873, MONDO:0014791, OMIM 616831.
Inborn genetic diseases. Identifiers: MedGen C0950123, MeSH D030342.

Allele frequency attached by ClinVar (database versions not stated): gnomAD exomes below 0.00001 and 0.00001; ExAC 0.00001; gnomAD 0.00001; TOPMed 0.00001.
gnomAD v4.1: 13 of 1,609,826 alleles (0.00081%); highest among the groups gnomAD compares: Non-Finnish European, 0.00093%; no homozygotes.

Submissions (3):

CeGaT Center for Human Genetics Tuebingen
Classification: Uncertain significance. Last evaluated: 2024-01-01. Review status: criteria provided, single submitter. Criteria: CeGaT Center For Human Genetics Tuebingen Variant Classification Criteria Version 2. Collection method: clinical testing. Allele origin: germline. Affected: yes. Observed: 1 variant allele.

Ambry Genetics
Classification: Uncertain significance for Inborn genetic diseases. Last evaluated: 2021-08-02. Review status: criteria provided, single submitter. Criteria: Ambry Variant Classification Scheme 2023. Collection method: clinical testing. Allele origin: germline.

Labcorp Genetics (formerly Invitae), Labcorp
Classification: Uncertain significance for Luscan-Lumish syndrome. Last evaluated: 2018-10-08. Review status: criteria provided, single submitter. Criteria: Invitae Variant Classification Sherloc (09022015). Collection method: clinical testing. Allele origin: germline.
Comment: In summary, the available evidence is currently insufficient to determine the role of this variant in disease. Therefore, it has been classified as a Variant of Uncertain Significance. Algorithms developed to predict the effect of missense changes on protein structure and function are either unavailable or do not agree on the potential impact of this missense change (SIFT: "Tolerated"; PolyPhen-2: "Probably Damaging"; Align-GVGD: "Class C0"). This variant is present in population databases (rs753435281, ExAC 0.002%). This sequence change replaces serine with asparagine at codon 1084 of the SETD2 protein (p.Ser1084Asn). The serine residue is moderately conserved and there is a small physicochemical difference between serine and asparagine. This variant has not been reported in the literature in individuals with SETD2-related disease.